The following is an entry in ClinVar:

NM_018834.6(MATR3):c.1893C>T (p.Ser631=)

Genes: MATR3 (matrin 3; plus strand), LOC126807526 (CDK7 strongly-dependent group 2 enhancer GRCh37_chr5:138657767-138658966; plus strand). Cytogenetic location: 5q31.2.
Variant type: single nucleotide variant.
Coding change: c.1893C>T on transcript NM_018834.6 (MANE Select); coding-DNA position 1893, C replaced by T.
Protein change: p.Ser631=; no amino-acid change (serine 631 retained).
Molecular consequence: synonymous variant.
Genome position (GRCh38, 1-based): chr5:139,322,712, C>T. VCF-style: chr5-139322712-C-T. GRCh37 (hg19) VCF-style: chr5-138658401-C-T.
Other names: c.1893C>T, p.Ser631= (NM_001194954.2, NM_001194955.2, NM_199189.3); c.1029C>T, p.Ser343= (NM_001194956.2); c.879C>T, p.Ser293= (NM_001282278.2).
Identifiers: ClinVar variation 351131 (VCV000351131.43), dbSNP rs143527811, ClinGen allele CA3433267.

ClinVar aggregate classification (germline): Benign/Likely benign. Review status: criteria provided, multiple submitters, no conflicts (2 of 4 stars). 6 submissions from 6 submitters: Benign (3); Likely benign (1). 2 of the submissions do not count toward it. Last evaluated 2026-02-01.

Conditions:
Amyotrophic lateral sclerosis type 21. Also called: VOCAL CORD AND PHARYNGEAL DYSFUNCTION WITH DISTAL MYOPATHY; MYOPATHY, DISTAL, 2. Identifiers: Orphanet 600, Orphanet 803, MedGen C3807521, MONDO:0011632, OMIM 606070.

Allele frequency attached by ClinVar (database versions not stated): gnomAD 0.00033 and 0.00046; TOPMed 0.00033; ESP Exome Variant Server 0.00038; 1000 Genomes Project 30x 0.00047; ExAC 0.00054; gnomAD exomes 0.00054; 1000 Genomes Project 0.00060.
gnomAD v4.1: 920 of 1,614,018 alleles (0.057%); highest among the groups gnomAD compares: South Asian, 0.26%; 1 homozygote.

Submissions (6):

CeGaT Center for Human Genetics Tuebingen
Classification: Likely benign. Last evaluated: 2026-02-01. Review status: criteria provided, single submitter. Criteria: CeGaT Center For Human Genetics Tuebingen Variant Classification Criteria Version 2. Collection method: clinical testing. Allele origin: germline. Affected: yes. Observed: 2 variant alleles.
Comment: MATR3: BP4, BP7, BS1

Labcorp Genetics (formerly Invitae), Labcorp
Classification: Benign for Amyotrophic lateral sclerosis type 21. Last evaluated: 2026-01-19. Review status: criteria provided, single submitter. Criteria: Invitae Variant Classification Sherloc (09022015). Collection method: clinical testing. Allele origin: germline.

GeneDx
Classification: Benign. Last evaluated: 2021-06-21. Review status: criteria provided, single submitter. Criteria: GeneDx Variant Classification Process June 2021. Collection method: clinical testing. Allele origin: germline. Affected: yes.

Illumina Laboratory Services, Illumina
Classification: Benign for Amyotrophic lateral sclerosis type 21. Last evaluated: 2018-01-13. Review status: criteria provided, single submitter. Criteria: ICSL Variant Classification Criteria 13 December 2019. Collection method: clinical testing. Allele origin: germline.
Comment: This variant was observed in the ICSL laboratory as part of a predisposition screen in an ostensibly healthy population. It had not been previously curated by ICSL or reported in the Human Gene Mutation Database (HGMD: prior to June 1st, 2018), and was therefore a candidate for classification through an automated scoring system. Utilizing variant allele frequency, disease prevalence and penetrance estimates, and inheritance mode, an automated score was calculated to assess if this variant is too frequent to cause the disease. Based on the score and internal cut-off values, a variant classified as benign is not then subjected to further curation. The score for this variant resulted in a classification of benign for this disease.

Clinical Genetics DNA and cytogenetics Diagnostics Lab, Erasmus MC, Erasmus Medical Center
Classification: Likely benign. Review status: no assertion criteria provided. Collection method: clinical testing. Allele origin: germline. Affected: yes. Study: VKGL Data-share Consensus. Not counted in ClinVar's aggregate classification.

Genome Diagnostics Laboratory, University Medical Center Utrecht
Classification: Likely benign. Review status: no assertion criteria provided. Collection method: clinical testing. Allele origin: germline. Affected: yes. Study: VKGL Data-share Consensus. Not counted in ClinVar's aggregate classification.